The following is an entry in ClinVar:

ClinVar aggregate classification (germline): Uncertain significance (1 of 4 stars; one submission).

Conditions:
RELT-related disorder. Also called: RELT-related condition.

gnomAD v4.1: 23 of 1,611,022 alleles (0.0014%); highest among the groups gnomAD compares: South Asian, 0.0055%; no homozygotes.

Submission:

PreventionGenetics, part of Exact Sciences
Classification: Uncertain significance for RELT-related condition. Last evaluated: 2024-10-17. Review status: criteria provided, single submitter. Criteria: ACMG Guidelines, 2015. Collection method: clinical testing. Allele origin: germline.
Comment: The RELT c.380G>A variant is predicted to result in the amino acid substitution p.Arg127Gln. To our knowledge, this variant has not been reported in the literature. This variant is reported in 0.016% of alleles in individuals of South Asian descent in gnomAD. At this time, the clinical significance of this variant is uncertain due to the absence of conclusive functional and genetic evidence.

NM_152222.2(RELT):c.380G>A (p.Arg127Gln)

Gene: RELT (RELT TNF receptor; plus strand). Cytogenetic location: 11q13.4.
Variant type: single nucleotide variant.
Coding change: c.380G>A on transcript NM_152222.2 (MANE Select); coding-DNA position 380, G replaced by A.
Protein change: p.Arg127Gln; replaces arginine 127 with glutamine.
Molecular consequence: missense variant. On other transcripts: non-coding transcript variant (1), intron variant (1).
Genome position (GRCh38, 1-based): chr11:73,392,223, G>A. VCF-style: chr11-73392223-G-A. GRCh37 (hg19) VCF-style: chr11-73103268-G-A.
Other names: c.380G>A, p.Arg127Gln (NM_001425248.1, NM_001425249.1, NM_001425250.1 and 2 more transcripts); c.332G>A, p.Arg111Gln (NM_001425251.1); c.367+1000G>A (NM_001425253.1); short protein forms R111Q, R127Q.
Identifiers: ClinVar variation 4986778 (VCV004986778.1).